The following is an entry in ClinVar:

ClinVar aggregate classification (germline): Uncertain significance. Review status: criteria provided, multiple submitters, no conflicts (2 of 4 stars). 2 submissions from 2 submitters: Uncertain significance (2). Last evaluated 2025-09-27.

Conditions:
Cardiovascular phenotype. Identifiers: MedGen CN230736.
Dilated cardiomyopathy 1JJ (CMD1JJ). Identifiers: Orphanet 154, MedGen C3808935, MONDO:0014095, OMIM 615235.

Allele frequency attached by ClinVar (database versions not stated): gnomAD exomes below 0.00001 and 0.00001; ExAC 0.00003; TOPMed 0.00006; gnomAD 0.00010 and 0.00012.
gnomAD v4.1: 24 of 1,613,792 alleles (0.0015%); highest among the groups gnomAD compares: African/African-American, 0.032%; no homozygotes.

Submissions (2):

Labcorp Genetics (formerly Invitae), Labcorp
Classification: Uncertain significance for Dilated cardiomyopathy 1JJ. Last evaluated: 2025-09-27. Review status: criteria provided, single submitter. Criteria: Invitae Variant Classification Sherloc (09022015). Collection method: clinical testing. Allele origin: germline.
Comment: This sequence change replaces phenylalanine, which is neutral and non-polar, with leucine, which is neutral and non-polar, at codon 1191 of the LAMA4 protein (p.Phe1191Leu). This variant is present in population databases (rs530201164, gnomAD 0.02%). This variant has not been reported in the literature in individuals affected with LAMA4-related conditions. ClinVar contains an entry for this variant (Variation ID: 264250). Invitae Evidence Modeling of protein sequence and biophysical properties (such as structural, functional, and spatial information, amino acid conservation, physicochemical variation, residue mobility, and thermodynamic stability) indicates that this missense variant is not expected to disrupt LAMA4 protein function with a negative predictive value of 80%. In summary, the available evidence is currently insufficient to determine the role of this variant in disease. Therefore, it has been classified as a Variant of Uncertain Significance.

Ambry Genetics
Classification: Uncertain significance for Cardiovascular phenotype. Last evaluated: 2024-11-10. Review status: criteria provided, single submitter. Criteria: Ambry Variant Classification Scheme 2023. Collection method: clinical testing. Allele origin: germline.
Comment: The p.F1191L variant (also known as c.3573C>A), located in coding exon 26 of the LAMA4 gene, results from a C to A substitution at nucleotide position 3573. The phenylalanine at codon 1191 is replaced by leucine, an amino acid with highly similar properties. This amino acid position is well conserved in available vertebrate species. In addition, the in silico prediction for this alteration is inconclusive. The evidence for this gene-disease relationship is limited; therefore, the clinical significance of this alteration is unclear.

NM_001105206.3(LAMA4):c.3594C>A (p.Phe1198Leu)

Gene: LAMA4 (laminin subunit alpha 4; minus strand). Cytogenetic location: 6q21.
Variant type: single nucleotide variant.
Coding change: c.3594C>A on transcript NM_001105206.3 (MANE Select); coding-DNA position 3594, C replaced by A.
Protein change: p.Phe1198Leu; replaces phenylalanine 1198 with leucine.
Molecular consequence: missense variant.
Genome position (GRCh38, 1-based): chr6:112,133,451, G>T on the plus strand (C>A on the coding strand, the complement: LAMA4 is on the minus strand). VCF-style: chr6-112133451-G-T. GRCh37 (hg19) VCF-style: chr6-112454653-G-T.
Other names: c.3573C>A (LRG_433t2); c.3573C>A, p.Phe1191Leu (NM_001105207.3, NM_002290.5); short protein forms F1191L, F1198L.
Identifiers: ClinVar variation 264250 (VCV000264250.11), dbSNP rs530201164, ClinGen allele CA3965168.